The following is an entry in ClinVar:

ClinVar aggregate classification (germline): Likely benign. Review status: criteria provided, multiple submitters, no conflicts (2 of 4 stars). 2 submissions from 2 submitters: Likely benign (2). Last evaluated 2026-09-01.

Conditions:
Developmental and epileptic encephalopathy, 36 (DEE36). Also called: Congenital disorder of glycosylation, type Is; ALG13-CDG; Epileptic encephalopathy, early infantile, 36. Identifiers: Orphanet 324422, MedGen C4317295, MONDO:0010472, OMIM 300884.

Submissions (2):

CeGaT Center for Human Genetics Tuebingen
Classification: Likely benign. Last evaluated: 2026-09-01. Review status: criteria provided, single submitter. Criteria: CeGaT Center For Human Genetics Tuebingen Variant Classification Criteria Version 2. Collection method: clinical testing. Allele origin: germline. Affected: yes. Observed: 4 variant alleles.
Comment: ALG13: PM2:Supporting, BP4, BP7

Labcorp Genetics (formerly Invitae), Labcorp
Classification: Likely benign for Developmental and epileptic encephalopathy, 36. Last evaluated: 2024-01-04. Review status: criteria provided, single submitter. Criteria: Invitae Variant Classification Sherloc (09022015). Collection method: clinical testing. Allele origin: germline.

NM_001099922.3(ALG13):c.2793A>T (p.Pro931=)

Gene: ALG13 (ALG13 UDP-N-acetylglucosaminyltransferase subunit; plus strand). Cytogenetic location: Xq23.
Variant type: single nucleotide variant.
Coding change: c.2793A>T on transcript NM_001099922.3 (MANE Select); coding-DNA position 2793, A replaced by T.
Protein change: p.Pro931=; no amino-acid change (proline 931 retained).
Molecular consequence: synonymous variant. On other transcripts: intron variant (5).
Genome position (GRCh38, 1-based): chrX:111,744,765, A>T. VCF-style: chrX-111744765-A-T. GRCh37 (hg19) VCF-style: chrX-110987993-A-T.
Other names: c.2559A>T, p.Pro853= (NM_001257231.2); c.2383+7886A>T (NM_001257237.2, NM_001257234.2, NM_001257230.2); c.2209+7886A>T (NM_001324293.1); c.2695+7886A>T (NM_001324292.2).
Identifiers: ClinVar variation 2579104 (VCV002579104.28), dbSNP rs1325128061, ClinGen allele CA518059793.